The following is an entry in ClinVar:

ClinVar aggregate classification (germline): Uncertain significance (1 of 4 stars; one submission).

Conditions:
Neurodevelopmental disorder with or without anomalies of the brain, eye, or heart (NEDBEH). Identifiers: Orphanet 494344, MedGen C5567477, MONDO:0014857, OMIM 616975.

gnomAD v4.1: 3 of 1,613,270 alleles (0.00019%); highest among the groups gnomAD compares: Non-Finnish European, 0.00025%; no homozygotes.

Submission:

Dasa
Classification: Uncertain significance for neurodevelopmental disorder with or without anomalies of the brain, eye, or heart. Last evaluated: 2025-08-21. Review status: criteria provided, single submitter. Criteria: DASA Assertion Criteria. Collection method: clinical testing. Allele origin: germline.
Comment: NM_001042681.2(RERE):c.3493G>A (p.Glu1165Lys) is a missense variant that results in the substitution of glutamic acid with lysine. This variant is rare in population databases. The currently available literature and clinical evidence are not sufficient to establish a definitive association between this variant and the reported condition. Therefore, this variant is classified as a variant of uncertain significance.

NM_001042681.2(RERE):c.3493G>A (p.Glu1165Lys)

Gene: RERE (arginine-glutamic acid dipeptide repeats; minus strand). Cytogenetic location: 1p36.23.
Variant type: single nucleotide variant.
Coding change: c.3493G>A on transcript NM_001042681.2 (MANE Select); coding-DNA position 3493, G replaced by A.
Protein change: p.Glu1165Lys; replaces glutamic acid 1165 with lysine.
Molecular consequence: missense variant.
Genome position (GRCh38, 1-based): chr1:8,359,889, C>T on the plus strand (G>A on the coding strand, the complement: RERE is on the minus strand). VCF-style: chr1-8359889-C-T. GRCh37 (hg19) VCF-style: chr1-8419949-C-T.
Other names: c.1831G>A, p.Glu611Lys (NM_001042682.2); c.3493G>A, p.Glu1165Lys (NM_012102.4); short protein forms E1165K, E611K.
Identifiers: ClinVar variation 4881731 (VCV004881731.2).